The following is an entry in ClinVar:

ClinVar aggregate classification (germline): Pathogenic/Likely pathogenic. Review status: criteria provided, multiple submitters, no conflicts (2 of 4 stars). 3 submissions from 3 submitters: Pathogenic (1); Likely pathogenic (1). 1 of the submissions does not count toward it. Last evaluated 2025-08-29.

Conditions:
Dilated cardiomyopathy 1G (CMD1G). Identifiers: Orphanet 154, MedGen C1858763, MONDO:0011400, OMIM 604145.
Cardiovascular phenotype. Identifiers: MedGen CN230736.
Autosomal recessive limb-girdle muscular dystrophy type 2J (LGMDR10). Also called: Limb-girdle muscular dystrophy, type 2J; MUSCULAR DYSTROPHY, LIMB-GIRDLE, AUTOSOMAL RECESSIVE 10. Identifiers: Orphanet 140922, MedGen C1837342, MONDO:0012127, OMIM 608807.

Submissions (3):

Labcorp Genetics (formerly Invitae), Labcorp
Classification: Pathogenic for Dilated cardiomyopathy 1G; Autosomal recessive limb-girdle muscular dystrophy type 2J. Last evaluated: 2025-08-29. Review status: criteria provided, single submitter. Criteria: Invitae Variant Classification Sherloc (09022015). Collection method: clinical testing. Allele origin: germline.
Comment: This sequence change creates a premature translational stop signal (p.Asp888Alafs*11) in the TTN gene. While this is not anticipated to result in nonsense mediated decay, it is expected to create a truncated TTN protein. Information on the frequency of this variant in the gnomAD database is not available, as this variant may be reported differently in the database. This premature translational stop signal has been observed in individuals with autosomal dominant dilated cardiomyopathy (internal data). This variant is located in the Z band of TTN (PMID: 25589632). Truncating variants in this region have been reported in individuals affected with autosomal recessive centronuclear myopathy (PMID: 33449170, internal data). Truncating variants in this region have also been identified in individuals affected with autosomal dominant dilated cardiomyopathy and/or cardio-related conditions (PMID: 27869827, 32964742, internal data). For these reasons, this variant has been classified as Pathogenic.

Ambry Genetics
Classification: Likely pathogenic for Cardiovascular phenotype. Last evaluated: 2025-02-25. Review status: criteria provided, single submitter. Criteria: Ambry Variant Classification Scheme 2023. Collection method: clinical testing. Allele origin: germline.
Comment: The c.2525_2531delATACTTAinsCTTCAC variant, located in coding exon 14 of the TTN gene, results from the deletion of 7 nucleotides and insertion of 6 nucleotides causing a translational frameshift with a predicted alternate stop codon (p.D842Afs*11). This exon is located in the near Z-disk region of the N2-B isoform of the titin protein and is constitutively expressed in TTN transcripts (percent spliced in or PSI 99%). This variant is considered to be rare based on population cohorts in the Genome Aggregation Database (gnomAD). This variant is expected to result in loss of function by premature protein truncation or nonsense-mediated mRNA decay. While truncating variants in TTN are present in 1-3% of the general population, truncating variants in the A-band are the most common cause of dilated cardiomyopathy (Herman DS et al. N. Engl. J. Med., 2012 Feb;366:619-28; Roberts AM et al. Sci Transl Med, 2015 Jan;7:270ra6). TTN truncating variants encoded in constitutive exons (PSI >90%) have been found to be significantly associated with DCM regardless of their position in titin (Schafer S et al. Nat. Genet., 2017 01;49:46-53; Akhtar MM et al. Circ Heart Fail, 2020 Oct;13:e006832; Massier M et al. Clin Genet, 2025 Jan). Based on the majority of available evidence to date, this variant is likely to be pathogenic.

Cardiogenetics and Myogenetics Molecular and Cellular Functional Unit, Aphp Sorbonne University-Hopital Pitie Salpetriere
Classification: Likely pathogenic for Dilated cardiomyopathy 1G. Last evaluated: 2024-01-06. Review status: no assertion criteria provided. Collection method: clinical testing. Allele origin: germline. Affected: yes. Not counted in ClinVar's aggregate classification.

Literature cited by the submitters: PubMed 25589632 (cited by Labcorp Genetics (formerly Invitae), Labcorp); PubMed 33449170 (cited by Labcorp Genetics (formerly Invitae), Labcorp); PubMed 27869827 (cited by Labcorp Genetics (formerly Invitae), Labcorp); PubMed 32964742 (cited by Labcorp Genetics (formerly Invitae), Labcorp).

NM_001267550.2(TTN):c.2663_2669delinsCTTCAC (p.Asp888fs)

Gene: TTN (titin; minus strand). Cytogenetic location: 2q31.2.
Variant type: Indel.
Coding change: c.2663_2669delinsCTTCAC on transcript NM_001267550.2 (MANE Select); coding-DNA positions 2663 to 2669, ATACTTA replaced by CTTCAC.
Protein change: p.Asp888fs; shifts the reading frame from aspartic acid 888.
Molecular consequence: frameshift variant.
Genome position (GRCh38, 1-based): chr2:178,784,176-178,784,182, TAAGTAT replaced by GTGAAG on the plus strand (ATACTTA replaced by CTTCAC on the coding strand, the reverse complement: TTN is on the minus strand). VCF-style: chr2-178784176-TAAGTAT-GTGAAG. GRCh37 (hg19) VCF-style: chr2-179648903-TAAGTAT-GTGAAG.
Other names: c.2663_2669delinsCTTCAC, p.Asp888fs (NM_001256850.1, NM_133378.4, NM_133379.5); c.2525_2531delinsCTTCAC, p.Asp842fs (NM_003319.4, NM_133432.3, NM_133437.4); c.2525_2531delATACTTAinsCTTCAC (NM_003319.4); short protein forms D888fs, D842fs.
Identifiers: ClinVar variation 969190 (VCV000969190.9), dbSNP rs2093000714, ClinGen allele CA1139657497.